The following is an entry in ClinVar:

ClinVar aggregate classification (germline): Pathogenic (1 of 4 stars; one submission).

Conditions:
Hereditary cancer-predisposing syndrome. Also called: Hereditary Cancer Syndrome; Neoplastic Syndromes, Hereditary; Hereditary neoplastic syndrome; Tumor predisposition. Identifiers: Orphanet 140162, MedGen C0027672, MeSH D009386, MONDO:0015356.

Submission:

Ambry Genetics
Classification: Pathogenic for Hereditary cancer-predisposing syndrome. Last evaluated: 2016-06-30. Review status: criteria provided, single submitter. Criteria: Ambry Autosomal Dominant and X-Linked criteria (10/2015). Collection method: clinical testing. Allele origin: germline. Observed: 1 variant allele.
Comment: The c.2812delG pathogenic mutation, located in coding exon 4 of the MSH6 gene, results from a deletion of one nucleotide at position 2812, causing a translational frameshift with a predicted alternate stop codon. Since frameshifts are typically deleterious in nature, this alteration is interpreted as a disease-causing mutation (ACMG Recommendations for Standards for Interpretation and Reporting of Sequence Variations. Revision 2007. Genet Med. 2008;10:294).

NM_000179.3(MSH6):c.2812del (p.Asp938fs)

Gene: MSH6 (mutS homolog 6; plus strand). Cytogenetic location: 2p16.3.
Variant type: Deletion.
Coding change: c.2812del on transcript NM_000179.3 (MANE Select); coding-DNA position 2812, one base deleted (G; older notation c.2812delG).
Protein change: p.Asp938fs; shifts the reading frame from aspartic acid 938.
Molecular consequence: frameshift variant.
Genome position (GRCh38, 1-based): chr2:47,800,795, G deleted. VCF-style (leftmost placement, unchanged base first): chr2-47800794-TG-T. GRCh37 (hg19) VCF-style: chr2-48027933-TG-T.
Other names: c.2422del, p.Asp808fs (NM_001281492.2); c.1906del, p.Asp636fs (NM_001281493.2, NM_001281494.2); c.2812delG (NM_000179.2); short protein forms D636fs, D808fs, D938fs.
Identifiers: ClinVar variation 428383 (VCV000428383.3), dbSNP rs1114167757, ClinGen allele CA645369256.